The following is an entry in ClinVar:

ClinVar aggregate classification (germline): Uncertain significance (1 of 4 stars; one submission).

Submission:

Labcorp Genetics (formerly Invitae), Labcorp
Classification: Uncertain significance. Last evaluated: 2024-10-09. Review status: criteria provided, single submitter. Criteria: Invitae Variant Classification Sherloc (09022015). Collection method: clinical testing. Allele origin: germline.
Comment: This sequence change replaces glutamine, which is neutral and polar, with leucine, which is neutral and non-polar, at codon 1463 of the ZDBF2 protein (p.Gln1463Leu). This variant is not present in population databases (gnomAD no frequency). This variant has not been reported in the literature in individuals affected with ZDBF2-related conditions. An algorithm developed to predict the effect of missense changes on protein structure and function (PolyPhen-2) suggests that this variant is likely to be tolerated. In summary, the available evidence is currently insufficient to determine the role of this variant in disease. Therefore, it has been classified as a Variant of Uncertain Significance.

NM_020923.3(ZDBF2):c.4388A>T (p.Gln1463Leu)

Gene: ZDBF2 (zinc finger DBF-type containing 2; plus strand). Cytogenetic location: 2q33.3.
Variant type: single nucleotide variant.
Coding change: c.4388A>T on transcript NM_020923.3 (MANE Select); coding-DNA position 4388, A replaced by T.
Protein change: p.Gln1463Leu; replaces glutamine 1463 with leucine.
Molecular consequence: missense variant.
Genome position (GRCh38, 1-based): chr2:206,308,916, A>T. VCF-style: chr2-206308916-A-T. GRCh37 (hg19) VCF-style: chr2-207173640-A-T.
Other names: c.4382A>T, p.Gln1461Leu (NM_001285549.2); c.4388A>T, p.Gln1463Leu (NM_001369654.1); short protein forms Q1463L, Q1461L.
Identifiers: ClinVar variation 3722559 (VCV003722559.2).